The following is an entry in ClinVar:

NM_147127.5(EVC2):c.2057A>G (p.Gln686Arg)

Gene: EVC2 (EvC ciliary complex subunit 2; minus strand). Cytogenetic location: 4p16.2.
Variant type: single nucleotide variant.
Coding change: c.2057A>G on transcript NM_147127.5 (MANE Select); coding-DNA position 2057, A replaced by G.
Protein change: p.Gln686Arg; replaces glutamine 686 with arginine.
Molecular consequence: missense variant.
Genome position (GRCh38, 1-based): chr4:5,622,981, T>C on the plus strand (A>G on the coding strand, the complement: EVC2 is on the minus strand). VCF-style: chr4-5622981-T-C. GRCh37 (hg19) VCF-style: chr4-5624708-T-C.
Other names: c.1817A>G, p.Gln606Arg (NM_001166136.2); short protein forms Q686R, Q606R.
Identifiers: ClinVar variation 2936744 (VCV002936744.3), dbSNP rs2475376922, ClinGen allele CA356145587.

ClinVar aggregate classification (germline): Uncertain significance (1 of 4 stars; one submission).

Conditions:
Curry-Hall syndrome (WAD). Also called: WEYERS ACRODENTAL DYSOSTOSIS. Identifiers: Orphanet 952, MedGen C0457013, MONDO:0008673, OMIM 193530.
Ellis-van Creveld syndrome (EVC). Also called: EVC-Related Ellis-van Creveld Syndrome; EVC2-Related Ellis-van Creveld Syndrome; MESOECTODERMAL DYSPLASIA; Chondroectodermal dysplasia. Identifiers: Orphanet 289, MedGen C0013903, MONDO:0009162, OMIM 225500.

Submission:

Labcorp Genetics (formerly Invitae), Labcorp
Classification: Uncertain significance for Curry-Hall syndrome; Ellis-van Creveld syndrome. Last evaluated: 2025-01-06. Review status: criteria provided, single submitter. Criteria: Invitae Variant Classification Sherloc (09022015). Collection method: clinical testing. Allele origin: germline.
Comment: This sequence change replaces glutamine, which is neutral and polar, with arginine, which is basic and polar, at codon 686 of the EVC2 protein (p.Gln686Arg). This variant is not present in population databases (gnomAD no frequency). This variant has not been reported in the literature in individuals affected with EVC2-related conditions. ClinVar contains an entry for this variant (Variation ID: 2936744). An algorithm developed to predict the effect of missense changes on protein structure and function (PolyPhen-2) suggests that this variant is likely to be disruptive. In summary, the available evidence is currently insufficient to determine the role of this variant in disease. Therefore, it has been classified as a Variant of Uncertain Significance.